The following is an entry in ClinVar:

NM_001018115.3(FANCD2):c.923A>G (p.Gln308Arg)

Genes: FANCD2 (FA complementation group D2; plus strand), LOC107303338 (3p25 FANCD2 Alu-mediated recombination region; plus strand). Cytogenetic location: 3p25.3.
Variant type: single nucleotide variant.
Coding change: c.923A>G on transcript NM_001018115.3 (MANE Select); coding-DNA position 923, A replaced by G.
Protein change: p.Gln308Arg; replaces glutamine 308 with arginine.
Molecular consequence: missense variant.
Genome position (GRCh38, 1-based): chr3:10,043,084, A>G. VCF-style: chr3-10043084-A-G. GRCh37 (hg19) VCF-style: chr3-10084768-A-G.
Other names: c.923A>G, p.Gln308Arg (NM_001319984.2, NM_001374253.1, NM_001374254.1 and 1 more transcripts); short protein forms Q308R.
Identifiers: ClinVar variation 1902242 (VCV001902242.6), dbSNP rs2470755978, ClinGen allele CA351729771.

ClinVar aggregate classification (germline): Uncertain significance. Review status: criteria provided, multiple submitters, no conflicts (2 of 4 stars). 2 submissions from 2 submitters: Uncertain significance (2). Last evaluated 2024-06-19.

Conditions:
Inborn genetic diseases. Identifiers: MedGen C0950123, MeSH D030342.
Fanconi anemia (FA). Also called: Fanconi's anemia. Identifiers: Orphanet 84, MedGen C0015625, MeSH D005199, MONDO:0019391.

Allele frequency attached by ClinVar (database versions not stated): gnomAD exomes below 0.00001.
gnomAD v4.1: 2 of 1,614,130 alleles (0.00012%); highest among the groups gnomAD compares: Non-Finnish European, 0.00017%; no homozygotes.

Submissions (2):

Ambry Genetics
Classification: Uncertain significance for Inborn genetic diseases. Last evaluated: 2024-06-19. Review status: criteria provided, single submitter. Criteria: Ambry Variant Classification Scheme 2023. Collection method: clinical testing. Allele origin: germline.

Labcorp Genetics (formerly Invitae), Labcorp
Classification: Uncertain significance for Fanconi anemia. Last evaluated: 2022-07-04. Review status: criteria provided, single submitter. Criteria: Invitae Variant Classification Sherloc (09022015). Collection method: clinical testing. Allele origin: germline.
Comment: In summary, the available evidence is currently insufficient to determine the role of this variant in disease. Therefore, it has been classified as a Variant of Uncertain Significance. Algorithms developed to predict the effect of missense changes on protein structure and function (SIFT, PolyPhen-2, Align-GVGD) all suggest that this variant is likely to be tolerated. This variant has not been reported in the literature in individuals affected with FANCD2-related conditions. This variant is not present in population databases (gnomAD no frequency). This sequence change replaces glutamine, which is neutral and polar, with arginine, which is basic and polar, at codon 308 of the FANCD2 protein (p.Gln308Arg).